The following is an entry in ClinVar:

NM_001330260.2(SCN8A):c.3811A>G (p.Ile1271Val)

Gene: SCN8A (sodium voltage-gated channel alpha subunit 8; plus strand). Cytogenetic location: 12q13.13.
Variant type: single nucleotide variant.
Coding change: c.3811A>G on transcript NM_001330260.2 (MANE Select); coding-DNA position 3811, A replaced by G.
Protein change: p.Ile1271Val; replaces isoleucine 1271 with valine.
Molecular consequence: missense variant.
Genome position (GRCh38, 1-based): chr12:51,774,354, A>G. VCF-style: chr12-51774354-A-G. GRCh37 (hg19) VCF-style: chr12-52168138-A-G.
Other names: c.3811A>G, p.Ile1271Val (NM_001177984.3, NM_001369788.1, NM_014191.4); short protein forms I1271V.
Identifiers: ClinVar variation 1461955 (VCV001461955.7), dbSNP rs2138879236, ClinGen allele CA384899841.
Genomic context (GRCh38, chr12:51,774,354, plus strand): 5'-TGGACAGCCTATGGCTTCGTCAAGTTCTTCACCAATGCCTGGTGTTGGCTGGACTTCCTC[A>G]TTGTGGCTGTAGGTGTCTTGCTTTCTGTTTCCCACCCCTTCCAGCAGGAACACAGAAACA-3'
Protein context (NP_001317189.1, residues 1261-1281): TNAWCWLDFL[Ile1271Val]VAVSLVSLIA

ClinVar aggregate classification (germline): Uncertain significance (1 of 4 stars; one submission).

Conditions:
Early-infantile DEE. Also called: Early infantile epileptic encephalopathy with suppression bursts; Early infantile epileptic encephalopathy; Ohtahara syndrome. Identifiers: Orphanet 1934, MedGen C0393706, MONDO:0800491.

Submission:

Labcorp Genetics (formerly Invitae), Labcorp
Classification: Uncertain significance for Early-infantile DEE. Last evaluated: 2021-07-29. Review status: criteria provided, single submitter. Criteria: Invitae Variant Classification Sherloc (09022015). Collection method: clinical testing. Allele origin: germline.
Comment: Algorithms developed to predict the effect of missense changes on protein structure and function are either unavailable or do not agree on the potential impact of this missense change (SIFT: "Deleterious"; PolyPhen-2: "Benign"; Align-GVGD: "Class C0"). This variant has not been reported in the literature in individuals affected with SCN8A-related conditions. This variant is not present in population databases (ExAC no frequency). This sequence change replaces isoleucine with valine at codon 1271 of the SCN8A protein (p.Ile1271Val). The isoleucine residue is highly conserved and there is a small physicochemical difference between isoleucine and valine. In summary, the available evidence is currently insufficient to determine the role of this variant in disease. Therefore, it has been classified as a Variant of Uncertain Significance.